The following is an entry in ClinVar:

ClinVar aggregate classification (germline): Benign/Likely benign. Review status: criteria provided, multiple submitters, no conflicts (2 of 4 stars). 3 submissions from 3 submitters: Benign (1); Likely benign (2). Last evaluated 2026-04-15.

Conditions:
Hereditary cancer-predisposing syndrome. Also called: Tumor predisposition; Hereditary Cancer Syndrome; Hereditary neoplastic syndrome; Neoplastic Syndromes, Hereditary. Identifiers: Orphanet 140162, MedGen C0027672, MeSH D009386, MONDO:0015356.
DICER1-related tumor predisposition. Also called: DICER1 syndrome; DICER1-related pleuropulmonary blastoma cancer predisposition syndrome. Identifiers: Orphanet 284343, MedGen C3839822, MONDO:0100216.

Allele frequency attached by ClinVar (database versions not stated): gnomAD 0.00001; TOPMed below 0.00001; gnomAD exomes 0.00002.
gnomAD v4.1: 24 of 1,613,278 alleles (0.0015%); highest among the groups gnomAD compares: African/African-American, 0.0027%; no homozygotes.

Submissions (3):

Myriad Genetics, Inc.
Classification: Benign for DICER1-related tumor predisposition. Last evaluated: 2026-04-15. Review status: criteria provided, single submitter. Criteria: Myriad Autosomal Dominant, Autosomal Recessive and X-Linked Classification Criteria (2023). Collection method: clinical testing. Allele origin: unknown.
Comment: This variant is considered benign. This variant is a silent/synonymous amino acid change and it is not expected to impact splicing.

Labcorp Genetics (formerly Invitae), Labcorp
Classification: Likely benign for DICER1-related tumor predisposition. Last evaluated: 2025-04-13. Review status: criteria provided, single submitter. Criteria: Invitae Variant Classification Sherloc (09022015). Collection method: clinical testing. Allele origin: germline.

Ambry Genetics
Classification: Likely benign for Hereditary cancer-predisposing syndrome. Last evaluated: 2019-07-18. Review status: criteria provided, single submitter. Criteria: Ambry Variant Classification Scheme 2023. Collection method: clinical testing. Allele origin: germline.

NM_177438.3(DICER1):c.921T>G (p.Arg307=)

Gene: DICER1 (dicer 1, ribonuclease III; minus strand). Cytogenetic location: 14q32.13.
Variant type: single nucleotide variant.
Coding change: c.921T>G on transcript NM_177438.3 (MANE Select); coding-DNA position 921, T replaced by G.
Protein change: p.Arg307=; no amino-acid change (arginine 307 retained).
Molecular consequence: synonymous variant.
Genome position (GRCh38, 1-based): chr14:95,124,651, A>C on the plus strand (T>G on the coding strand, the complement: DICER1 is on the minus strand). VCF-style: chr14-95124651-A-C. GRCh37 (hg19) VCF-style: chr14-95590988-A-C.
Other names: c.921T>G, p.Arg307= (NM_001195573.1, NM_001271282.3, NM_001291628.2 and 1 more transcripts).
Identifiers: ClinVar variation 763156 (VCV000763156.14), dbSNP rs1385329514, ClinGen allele CA487632573.